The following is an entry in ClinVar:

ClinVar aggregate classification (germline): Uncertain significance (1 of 4 stars; one submission).

Conditions:
Hypertrophic cardiomyopathy. Also called: HYPERTROPHIC MYOCARDIOPATHY. Identifiers: Orphanet 217569, MedGen C0007194, MeSH D002312, MONDO:0005045, HP:0001639.

Submission:

Labcorp Genetics (formerly Invitae), Labcorp
Classification: Uncertain significance for Hypertrophic cardiomyopathy. Last evaluated: 2020-06-21. Review status: criteria provided, single submitter. Criteria: Invitae Variant Classification Sherloc (09022015). Collection method: clinical testing. Allele origin: germline.
Comment: This variant disrupts the c.821+5 nucleotide in the MYBPC3 gene. Other variant(s) that disrupt this nucleotide have been determined to be pathogenic (PMID: 23140321, 9048664, 12707239). This suggests that this nucleotide is clinically-significant, and that variants that disrupt this position are likely to be disease-causing. Nucleotide substitutions within the consensus splice site are a relatively common cause of aberrant splicing (PMID: 17576681, 9536098). Algorithms developed to predict the effect of sequence changes on RNA splicing suggest that this variant may disrupt the consensus splice site, but this prediction has not been confirmed by published transcriptional studies. This variant has not been reported in the literature in individuals with MYBPC3-related conditions. This variant is not present in population databases (ExAC no frequency). This sequence change falls in intron 7 of the MYBPC3 gene. It does not directly change the encoded amino acid sequence of the MYBPC3 protein, but it affects a nucleotide within the consensus splice site of the intron. In summary, the available evidence is currently insufficient to determine the role of this variant in disease. Therefore, it has been classified as a Variant of Uncertain Significance.

Literature cited by the submitters: PubMed 23140321; PubMed 9048664; PubMed 12707239; PubMed 17576681; PubMed 9536098.

NM_000256.3(MYBPC3):c.821+5G>C

Gene: MYBPC3 (myosin binding protein C3; minus strand). Cytogenetic location: 11p11.2.
Variant type: single nucleotide variant.
Coding change: c.821+5G>C on transcript NM_000256.3 (MANE Select); 5 bases into the intron after coding-DNA position 821, G replaced by C.
Molecular consequence: intron variant.
Genome position (GRCh38, 1-based): chr11:47,347,852, C>G on the plus strand (G>C on the coding strand, the complement: MYBPC3 is on the minus strand). VCF-style: chr11-47347852-C-G. GRCh37 (hg19) VCF-style: chr11-47369403-C-G.
Identifiers: ClinVar variation 1043232 (VCV001043232.8), dbSNP rs397516077, ClinGen allele CA1969340619.
Genomic context (GRCh38, chr11:47,347,852, plus strand): 5'-CGAGACCCTGAAGGGCCTCAGACTCCAGCACTGGCCTCCCCCAGGCCCTGAGGATGGCCA[C>G]TCACGTGCGGCGGAAGGCTGATAGGAGGTCCAGGTCTCCGGTGCCCATGGCCTCTGGGTT-3'